The following is an entry in ClinVar:

NM_001111125.3(IQSEC2):c.22C>T (p.Pro8Ser)

Gene: IQSEC2 (IQ motif and Sec7 domain ArfGEF 2; minus strand). Cytogenetic location: Xp11.22.
Variant type: single nucleotide variant.
Coding change: c.22C>T on transcript NM_001111125.3 (MANE Select); coding-DNA position 22, C replaced by T.
Protein change: p.Pro8Ser; replaces proline 8 with serine.
Molecular consequence: missense variant.
Genome position (GRCh38, 1-based): chrX:53,321,102, G>A on the plus strand (C>T on the coding strand, the complement: IQSEC2 is on the minus strand). VCF-style: chrX-53321102-G-A. GRCh37 (hg19) VCF-style: chrX-53350300-G-A.
Other names: c.22C>T, p.Pro8Ser (NM_001410736.1); short protein forms P8S.
Identifiers: ClinVar variation 3688021 (VCV003688021.2).

ClinVar aggregate classification (germline): Uncertain significance (1 of 4 stars; one submission).

Conditions:
Intellectual developmental disorder, X-linked 1. Also called: Atkin Flaitz Patil Smith syndrome; MENTAL RETARDATION, X-LINKED 18; MENTAL RETARDATION, X-LINKED 78; Intellectual disability, X-linked 1. Identifiers: Orphanet 777, MedGen C2931498, MONDO:0010656, OMIM 309530.

gnomAD v4.1: 2 of 1,148,680 alleles (0.00017%); highest among the groups gnomAD compares: South Asian, 0.0038%; no homozygotes.

Submission:

Labcorp Genetics (formerly Invitae), Labcorp
Classification: Uncertain significance for Intellectual developmental disorder, X-linked 1. Last evaluated: 2024-06-18. Review status: criteria provided, single submitter. Criteria: Invitae Variant Classification Sherloc (09022015). Collection method: clinical testing. Allele origin: germline.
Comment: This sequence change replaces proline, which is neutral and non-polar, with serine, which is neutral and polar, at codon 8 of the IQSEC2 protein (p.Pro8Ser). This variant is not present in population databases (gnomAD no frequency). This variant has not been reported in the literature in individuals affected with IQSEC2-related conditions. Advanced modeling of protein sequence and biophysical properties (such as structural, functional, and spatial information, amino acid conservation, physicochemical variation, residue mobility, and thermodynamic stability) performed at Invitae indicates that this missense variant is not expected to disrupt IQSEC2 protein function with a negative predictive value of 95%. In summary, the available evidence is currently insufficient to determine the role of this variant in disease. Therefore, it has been classified as a Variant of Uncertain Significance.